The following is an entry in ClinVar:

ClinVar aggregate classification (germline): Conflicting classifications of pathogenicity. Review status: criteria provided, conflicting classifications (1 of 4 stars). 6 submissions from 6 submitters: Uncertain significance (1); Likely benign (5). Last evaluated 2026-01-12.

Conditions:
TMPRSS3-related disorder. Also called: TMPRSS3-related condition.
Autosomal recessive nonsyndromic hearing loss 8 (DFNB8). Also called: Deafness, autosomal recessive 10; NEUROSENSORY NONSYNDROMIC RECESSIVE DEAFNESS 8. Identifiers: Orphanet 90636, MedGen C1832827, MONDO:0010987, OMIM 601072.

Allele frequency attached by ClinVar (database versions not stated): gnomAD 0.00014 and 0.00016; gnomAD exomes 0.00017 and 0.00026; TOPMed 0.00022; ExAC 0.00023; 1000 Genomes Project 30x 0.00031; ESP Exome Variant Server 0.00038; 1000 Genomes Project 0.00040.
gnomAD v4.1: 275 of 1,614,150 alleles (0.017%); highest among the groups gnomAD compares: Middle Eastern, 0.05%; no homozygotes.

Submissions (6):

Labcorp Genetics (formerly Invitae), Labcorp
Classification: Likely benign. Last evaluated: 2026-01-12. Review status: criteria provided, single submitter. Criteria: Invitae Variant Classification Sherloc (09022015). Collection method: clinical testing. Allele origin: germline.

Blueprint Genetics
Classification: Likely benign. Last evaluated: 2024-11-26. Review status: criteria provided, single submitter. Criteria: ACMG Guidelines, 2015. Collection method: clinical testing. Allele origin: germline.

PreventionGenetics, part of Exact Sciences
Classification: Likely benign for TMPRSS3-related condition. Last evaluated: 2024-10-07. Review status: criteria provided, single submitter. Criteria: ACMG Guidelines, 2015. Collection method: clinical testing. Allele origin: germline.
Comment: This variant is classified as likely benign based on ACMG/AMP sequence variant interpretation guidelines (Richards et al. 2015 PMID: 25741868, with internal and published modifications).

GeneDx
Classification: Likely benign. Last evaluated: 2021-03-25. Review status: criteria provided, single submitter. Criteria: GeneDx Variant Classification Process June 2021. Collection method: clinical testing. Allele origin: germline. Affected: yes.
Comment: This variant is associated with the following publications: (PMID: 11907649)

Illumina Laboratory Services, Illumina
Classification: Uncertain significance for Autosomal recessive nonsyndromic hearing loss 8. Last evaluated: 2017-04-27. Review status: criteria provided, single submitter. Criteria: ICSL Variant Classification Criteria 13 December 2019. Collection method: clinical testing. Allele origin: germline.
Comment: This variant was observed as part of a predisposition screen in an ostensibly healthy population. A literature search was performed for the gene, cDNA change, and amino acid change (where applicable). Publications were found based on this search. However, the evidence from the literature, in combination with allele frequency data from public databases where available, was not sufficient to rule this variant in or out of causing disease. Therefore, this variant is classified as a variant of unknown significance.

Laboratory for Molecular Medicine, Mass General Brigham Personalized Medicine
Classification: Likely benign. Last evaluated: 2015-09-08. Review status: criteria provided, single submitter. Criteria: LMM Criteria. Collection method: clinical testing. Allele origin: germline. Observed: 2 variant alleles.
Comment: p.Tyr263Tyr in Exon 9A of TMPRSS3: This variant is not expected to have clinical significance because it does not alter an amino acid residue, is not located wi thin the splice consensus sequence, and has been identified in 27/118642 chromos omes by the Exome Aggregation Consortium (ExAC; dbSNP rs147181936).

Literature cited by the submitters: PubMed 11907649 (cited by Illumina Laboratory Services, Illumina).

NM_001256317.3(TMPRSS3):c.789C>T (p.Tyr263=)

Gene: TMPRSS3 (transmembrane serine protease 3; minus strand). Cytogenetic location: 21q22.3.
Variant type: single nucleotide variant.
Coding change: c.789C>T on transcript NM_001256317.3 (MANE Select); coding-DNA position 789, C replaced by T.
Protein change: p.Tyr263=; no amino-acid change (tyrosine 263 retained).
Molecular consequence: synonymous variant.
Genome position (GRCh38, 1-based): chr21:42,382,228, G>A on the plus strand (C>T on the coding strand, the complement: TMPRSS3 is on the minus strand). VCF-style: chr21-42382228-G-A. GRCh37 (hg19) VCF-style: chr21-43802337-G-A.
Other names: c.789C>T, p.Tyr263= (NM_024022.4, NM_032405.2); c.408C>T, p.Tyr136= (NM_032404.3).
Identifiers: ClinVar variation 178683 (VCV000178683.21), dbSNP rs147181936, ClinGen allele CA182779.